The following is an entry in ClinVar:

NM_001270.4(CHD1):c.160T>G (p.Ser54Ala)

Genes: CHD1 (chromodomain helicase DNA binding protein 1; minus strand), LOC126807465 (P300/CBP strongly-dependent group 1 enhancer GRCh37_chr5:98240158-98241357; plus strand). Cytogenetic location: 5q21.1.
Variant type: single nucleotide variant.
Coding change: c.160T>G on transcript NM_001270.4 (MANE Select); coding-DNA position 160, T replaced by G.
Protein change: p.Ser54Ala; replaces serine 54 with alanine.
Molecular consequence: missense variant. On other transcripts: non-coding transcript variant (2).
Genome position (GRCh38, 1-based): chr5:98,904,992, A>C on the plus strand (T>G on the coding strand, the complement: CHD1 is on the minus strand). VCF-style: chr5-98904992-A-C. GRCh37 (hg19) VCF-style: chr5-98240696-A-C.
Other names: c.160T>G, p.Ser54Ala (NM_001364113.3, NM_001376194.2); short protein forms S54A.
Identifiers: ClinVar variation 2662716 (VCV002662716.2), dbSNP rs2479754739, ClinGen allele CA360524128.

ClinVar aggregate classification (germline): Uncertain significance (1 of 4 stars; one submission).

Submission:

GeneDx
Classification: Uncertain significance. Last evaluated: 2025-12-30. Review status: criteria provided, single submitter. Criteria: GeneDx Variant Classification Process June 2021. Collection method: clinical testing. Allele origin: germline.
Comment: Not observed at significant frequency in large population cohorts (gnomAD); In silico analysis suggests that this missense variant does not alter protein structure/function; Has not been previously published as pathogenic or benign to our knowledge